The following is an entry in ClinVar:

NM_000492.4(CFTR):c.1022C>A (p.Ser341Ter)

Gene: CFTR (CF transmembrane conductance regulator; plus strand). Cytogenetic location: 7q31.2.
Variant type: single nucleotide variant.
Coding change: c.1022C>A on transcript NM_000492.4 (MANE Select); coding-DNA position 1022, C replaced by A.
Protein change: p.Ser341Ter; replaces serine 341 with a stop codon.
Molecular consequence: nonsense.
Genome position (GRCh38, 1-based): chr7:117,540,252, C>A. VCF-style: chr7-117540252-C-A. GRCh37 (hg19) VCF-style: chr7-117180306-C-A.
Other names: short protein forms S341*.
Identifiers: ClinVar variation 4294462 (VCV004294462.1).
Genomic context (GRCh38, chr7:117,540,252, plus strand): 5'-CTGTGCTTCCCTATGCACTAATCAAAGGAATCATCCTCCGGAAAATATTCACCACCATCT[C>A]ATTCTGCATTGTTCTGCGCATGGCGGTCACTCGGCAATTTCCCTGGGCTGTACAAACATG-3'

ClinVar aggregate classification (germline): Likely pathogenic (1 of 4 stars; one submission).

Conditions:
Bronchiectasis with or without elevated sweat chloride 1 (BESC1). Also called: Cystic Fibrosis-Like Syndrome. Identifiers: Orphanet 60033, MedGen C2749757, MONDO:0008887, OMIM 211400.
Hereditary pancreatitis (PCTT). Also called: Hereditary chronic pancreatitis; PRSS1-Related Hereditary Pancreatitis. Identifiers: Orphanet 676, MedGen C0238339, MONDO:0008185, OMIM 167800.
Cystic fibrosis (CF). Also called: MUCOVISCIDOSIS. Identifiers: Orphanet 586, MedGen C0010674, MONDO:0009061, OMIM 219700. Disease mechanism: loss of function.
Congenital bilateral aplasia of vas deferens from CFTR mutation (CBAVD). Identifiers: Orphanet 48, MedGen C0403814, MONDO:0010178, OMIM 277180. Disease mechanism: loss of function.

Submission:

Molecular Genetics Department, Kulakov National Medical Research Center for Obstetrics, Gynecology and Perinatology
Classification: Likely pathogenic for Hereditary pancreatitis; Bronchiectasis with or without elevated sweat chloride 1; Cystic fibrosis; Congenital bilateral aplasia of vas deferens from CFTR mutation. Review status: criteria provided, single submitter. Criteria: ACMG Guidelines, 2015. Collection method: clinical testing. Allele origin: germline. Affected: yes. Observed: 1 variant allele.
Comment: A previously undescribed heterozygous nucleotide variant creates a premature translation stop signal p.Ser341Ter in the CFTR gene. Homozygous and compound heterozygous variants are reported in patients with congenital bilateral absence of vas deferens, 277180; cystic fibrosis, 219700; {Pancreatitis, hereditary}, 167800; Sweat chloride elevation without cF. The variant is not present in population database (gnomAD no frequency). In summary, the currently available evidence indicates that the variant is pathogenic, but additional data are needed to prove that conclusively. Therefore, this variant has been classified as likely pathogenic.